The following is an entry in ClinVar:

ClinVar aggregate classification (germline): Likely benign. Review status: criteria provided, multiple submitters, no conflicts (2 of 4 stars). 5 submissions from 5 submitters: Likely benign (5). Last evaluated 2025-10-25.

Conditions:
Long QT syndrome (LQTS). Identifiers: MedGen C0023976, MeSH D008133, MONDO:0002442. Disease mechanism: loss of function. Inheritance: Various modes of inheritance.
Cardiovascular phenotype. Identifiers: MedGen CN230736.
Cardiac arrhythmia. Also called: Cardiac rhythm disease; Arrhythmia. Identifiers: MedGen C0003811, MONDO:0007263, HP:0011675.

Allele frequency attached by ClinVar (database versions not stated): TOPMed 0.00001.
gnomAD v4.1: 8 of 1,613,808 alleles (0.0005%); highest among the groups gnomAD compares: Non-Finnish European, 0.00059%; no homozygotes.

Submissions (5):

Labcorp Genetics (formerly Invitae), Labcorp
Classification: Likely benign for Long QT syndrome. Last evaluated: 2025-10-25. Review status: criteria provided, single submitter. Criteria: Invitae Variant Classification Sherloc (09022015). Collection method: clinical testing. Allele origin: germline.

All of Us Research Program, National Institutes of Health
Classification: Likely benign for Long QT syndrome. Last evaluated: 2024-04-10. Review status: criteria provided, single submitter. Criteria: ACMG Guidelines, 2015. Collection method: clinical testing. Allele origin: germline. Inheritance: Autosomal dominant inheritance. Observed: 2 variant alleles, 2 heterozygotes.
Comment: This study involves interpretation of variants in research participants for the purpose of population health screening. Participant phenotype was not available at the time of variant classification. Additional details can be found in publication PMID: 35346344, PMCID: PMC8962531

Ambry Genetics
Classification: Likely benign for Cardiovascular phenotype. Last evaluated: 2021-01-19. Review status: criteria provided, single submitter. Criteria: Ambry Variant Classification Scheme 2023. Collection method: clinical testing. Allele origin: germline.

GeneDx
Classification: Likely benign. Last evaluated: 2020-12-04. Review status: criteria provided, single submitter. Criteria: GeneDx Variant Classification Process June 2021. Collection method: clinical testing. Allele origin: germline. Affected: yes.

Color Diagnostics, LLC DBA Color Health
Classification: Likely benign for Arrhythmia. Last evaluated: 2018-12-13. Review status: criteria provided, single submitter. Criteria: ACMG Guidelines, 2015. Collection method: clinical testing. Allele origin: germline.

NM_000218.3(KCNQ1):c.831G>A (p.Ser277=)

Gene: KCNQ1 (potassium voltage-gated channel subfamily Q member 1; plus strand). Cytogenetic location: 11p15.5.
Variant type: single nucleotide variant.
Coding change: c.831G>A on transcript NM_000218.3 (MANE Select); coding-DNA position 831, G replaced by A.
Protein change: p.Ser277=; no amino-acid change (serine 277 retained).
Molecular consequence: synonymous variant. On other transcripts: intron variant (1).
Genome position (GRCh38, 1-based): chr11:2,572,896, G>A. VCF-style: chr11-2572896-G-A. GRCh37 (hg19) VCF-style: chr11-2594126-G-A.
Other names: c.831G>A, p.Ser277= (NM_001406836.1); c.561G>A, p.Ser187= (NM_001406837.1); c.450G>A, p.Ser150= (NM_181798.2); c.478-10539G>A (NM_001406838.1).
Identifiers: ClinVar variation 928180 (VCV000928180.15), dbSNP rs761225039, ClinGen allele CA040883.